The following continues an entry in ClinVar:

NC_012920.1(MT-RNR1):m.1555A>G

ClinVar aggregate classification (germline): Pathogenic; drug response. Pathogenic (1).

Submissions 11 to 22 of 28:

Rady Children's Institute for Genomic Medicine, Rady Children's Hospital San Diego
Classification: Pathogenic for Mitochondrial nonsyndromic hearing loss and deafness. Last evaluated: 2025-06-27. Review status: criteria provided, single submitter. Criteria: ACMG Guidelines, 2015. Collection method: clinical testing. Allele origin: germline. Affected: yes. Not counted in ClinVar's aggregate classification.
Comment: The m.1555A>G variant has been previously reported in individuals with mitochondrial nonsyndromic hearing loss with or without exposure to aminoglycosides (PMID: 20301595). The m.1555A>G variant has been shown to segregate with maternal lineages (PMID: 9039999, 9490575, 9887373). The penetrance of hearing loss in individuals with a homoplasmic m.1555A>G variant is believed to be near 100% when they receive aminoglycoside antibiotics; whereas, the penetrance and age of onset for hearing loss in individuals who are not exposed to aminoglycosides shows wide variability (0%-65%) (PMID: 20301595). The m.1555A>G variant has also been reported in individuals with chronic progressive external ophthalmoplegia and myopathy (PMID: 11870684), cardiomyopathy (PMID: 28104394, 24252789), a neural tube defect (PMID: 10661905), hypertension (PMID: 22317974), type 2 diabetes (PMID: 23357420), autism spectrum disorder and intellectual disability (PMID: 29340697), and Leigh syndrome (PMID: 32867169); however, causative evidence for this variant and these other clinical presentations is limited. In silico analyses support a deleterious effect of the m.1555A>G variant on protein function. It is present in the homoplasmic state in the latest version of the gnomAD population database at a frequency of 0.11% (63/56401) and in the heteroplasmic state at a frequency of 0.02% (11/56401). Based on the available evidence, m.1555A>G is classified as Pathogenic.

Laboratory of Genetics, Children's Clinical University Hospital Latvia
Classification: Pathogenic. Last evaluated: 2025-02-16. Review status: criteria provided, single submitter. Criteria: ACMG Guidelines, 2015. Collection method: clinical testing. Allele origin: germline. Affected: yes. Not counted in ClinVar's aggregate classification.

Centre for Clinical Genetics and Genomic Diagnostics, Zealand University Hospital
Classification: Pathogenic. Last evaluated: 2024-05-23. Review status: criteria provided, single submitter. Criteria: ACMG Guidelines, 2015. Collection method: clinical testing. Allele origin: germline. Not counted in ClinVar's aggregate classification.

New York Genome Center
Classification: Pathogenic for Aminoglycoside ototoxicity. Last evaluated: 2024-03-13. Review status: criteria provided, single submitter. Criteria: NYGC Assertion Criteria 2020. Collection method: clinical testing. Allele origin: inherited. Observed: 2 variant alleles. Not counted in ClinVar's aggregate classification.
Comment: The m.1555A>G variant is an established pathogenic variant that has previously been reported in individuals with aminoglycoside-induced hearing loss [PMID:20301595], and it has been deposited in ClinVar [ClinVar ID= 9628]. The m.1555A>G variant has been found to be enriched in individuals with aminoglycoside induced hearing loss and compared to nonsyndromic hearing loss [PMID: 17698299]. In vitro studies demonstrated specific binding of aminoglycosides to the m.1555A>G variant in a 12S rRNA construct [PMID: 20301595]. Based on available evidence this inherited homoplasmic mitochondrial m.1555A>G variant is classified as Pathogenic/Risk Factor.

Illumina Laboratory Services, Illumina
Classification: Pathogenic for Mitochondrial non-syndromic sensorineural hearing loss. Last evaluated: 2023-09-13. Review status: criteria provided, single submitter. Criteria: ICSLVariantClassificationCriteria RUGD 01 April 2020. Collection method: clinical testing. Allele origin: unknown. Not counted in ClinVar's aggregate classification.
Comment: The MT-RNR1 m.1555A>G mitochondrial variant is widely reported in the literature in individuals with mitochondrial nonsyndromic hearing loss and deafness. Across a selection of the literature, the variant has been reported in at least 16 individuals with hearing loss (PMID: 7689389; 8285309; 9040738; 8800928; 9490575; 12920080; 20301595). Some individuals with this variant have normal hearing, others have hearing loss following aminoglycoside exposure, and others have hearing loss and no known aminoglycoside exposure. Whilst this variant is present in a homoplasmic state in most affected individuals, the level of heteroplasmy of this variant shows a significant correlation with the clinical signs the severity and onset of disease in at least seven unrelated families (PMID: 12920080; 22475488). Cybrid studies consistently demonstrate that the m.1555A>G variant reduces mitochondrial translation and cell growth (PMID: 8687424; 11230176). Additional functional studies in patient cells and single fiber testing support the functional impact of this variant (PMID: 8817331; 9915970) Multiple lines of computational evidence including MitoTIP and HmtVar suggest this variant may have a deleterious effect on the function of this rRNA. Based on the available evidence, the m.1555A>G variant is classified as pathogenic for mitochondrial nonsyndromic hearing loss and deafness.

Clinical Genetics Laboratory, Skane University Hospital Lund
Classification: Pathogenic. Last evaluated: 2023-04-05. Review status: criteria provided, single submitter. Criteria: ACMG Guidelines, 2015. Collection method: clinical testing. Allele origin: germline. Affected: yes. Not counted in ClinVar's aggregate classification.

New York Genome Center
Classification: Pathogenic for Aminoglycoside induced ototoxicity. Last evaluated: 2023-01-26. Review status: criteria provided, single submitter. Criteria: NYGC Assertion Criteria 2020. Collection method: clinical testing. Allele origin: inherited. Observed: 1 variant allele. Study: PrenatalSEQ. Not counted in ClinVar's aggregate classification.
Comment: The m.1555A>G variant is an established pathogenic variant that has previously been reported in individuals with aminoglycoside-induced hearing loss [PMID:20301595] , and it has been deposited in ClinVar [ClinVar ID= 9628]. The m.1555A>G variant has been found to be enriched in individuals with aminoglycoside induced hearing loss and compared to nonsyndromic hearing loss [PMID: 17698299]. In vitro studies demonstrated specific binding of aminoglycosides to the m.1555A>G variant in a 12S rRNA construct [PMID: 20301595]. Based on available evidence this inherited homoplasmic mitochondrial m.1555A>G variant is classified as Pathogenic.

Medical Genetics Summaries
Classification: drug response for Gentamicin response. Last evaluated: 2018-08-01. Review status: criteria provided, single submitter. Criteria: Medical Genetics Summaries: Gentamicin therapy and MT-RNR1 genotype. Collection method: curation. Allele origin: maternal. Affected: yes. Not counted in ClinVar's aggregate classification.
Comment: Individuals who have the m.1555A>G variant are at risk of gentamicin-induced hearing loss. A single, therapeutic, dose of gentamicin may result in moderate to profound hearing loss that is bilateral and irreversible.

Center for Pediatric Genomic Medicine, Children's Mercy Hospital and Clinics
Classification: Pathogenic. Last evaluated: 2014-08-26. Review status: criteria provided, single submitter. Criteria: ACMG Guidelines, 2015. Collection method: clinical testing. Allele origin: germline. Not counted in ClinVar's aggregate classification.

Laboratory for Molecular Medicine, Mass General Brigham Personalized Medicine
Classification: Pathogenic for Rare genetic deafness. Last evaluated: 2013-04-29. Review status: criteria provided, single submitter. Criteria: LMM Criteria. Collection method: clinical testing. Allele origin: germline. Inheritance: Mitochondrial inheritance. Observed: 11 variant alleles. Not counted in ClinVar's aggregate classification.
Comment: The m.1555A>G variant in MTRNR1 has been reported in many individuals with heari ng loss (often after exposure to aminoglycosides) and segregated in many affecte d matrilineal relatives (Prezant 1993, Pandya 1997, Usami 1997). The variant ha s been identified in 0.6-12% of hearing impaired individuals (Chen 2011, Yelvert on 2013), in contrast to 0.1-0.3% of the general population (Bitner-Glindzicz 20 09, Rahman 2012, Wang 2011, Wu 2011). Individuals with this variant usually pass newborn hearing screen, but develop aminoglycoside-induced or late-onset progre ssive hearing loss (Usami 2000, Lu 2009, Lu 2010). The penetrance is incomplete, but higher with aminoglycoside exposure than without, and the clinical manifest ation is influenced by the degree of heteroplasmy, environmental factors, haplog roup background, and other genetic modifiers (Lu 2010). This variant is in a reg ion of the 12S rRNA gene in which aminoglycosides are known to bind, and in whic h aminoglycoside resistance mutations have been described in other species. Alt hough this variant is present in other primate species, it has been shown that c ells with this variant are susceptible to aminoglycosides (Pacheu-Grau 2011). I n summary, this variant meets criteria to be classified as pathogenic based upon the over-representation of the variant in individuals with aminoglycoside-induc ed hearing loss, segregation in affected matrilineal relatives, and functional s tudies. ACMG/AMP Criteria applied: PS4, PP1_Strong, PS3_Supporting

Hadassah Hebrew University Medical Center
Classification: Pathogenic for Aminoglycoside-induced deafness. Review status: criteria provided, single submitter. Criteria: ACMG Guidelines, 2015. Collection method: research. Allele origin: maternal. Affected: no. Observed: 1 variant allele. Not counted in ClinVar's aggregate classification.

Diagnostics Centre, Carl Von Ossietzky University Oldenburg
Classification: Likely pathogenic for Hearing loss, sensorineural, autosomal-mitochondrial type. Last evaluated: 2023-10-24. Review status: no assertion criteria provided. Collection method: clinical testing. Allele origin: germline. Affected: yes. Observed: 1 variant allele. Not counted in ClinVar's aggregate classification.
Comment: The variant MT-RNR1:n.908A>G, m.1555A>G is located in the 12S rRNA gene (MT-RNR1) and results from an adenine to guanine at nucleotide position 1555. It has been described in numerous cases with mitochondrial non-syndromic hearing loss (PMID: 7689389, 1613771, 8285309, 8414970, 9111378, 9040738, 9490575, 9831149, 10661905, 12031626, 12920080, 16935512, 20123042, 22317974, 23357420, 24252789, 11870684). Although the variant is present at homoplasmy in unaffected individuals, multiple individuals harboring the variant were reported to have hearing loss after amynoglycoside exposure. Non amynoglycoside exposure-related loss hering have been also reported. Age of onset of hearing loss ranged from infancy (after aminoglycoside exposure) to adulthood. Overall, aminoglycoside-based antibiotic treatments are known to increase the risk of hearing loss in carriers of this alteration (PMID: 29805548, 25515069). Multiple studies provide experimental evidences supporting a deleterious functional effect of the variant (PMID: 11230176, 8817331, 8687424). The variant is not considered rare in the overall population (MAF 0.1% for homoplasmy in gnomAD V3.1). The ClinGen Mitochondrial Disease Nuclear and Mitochondrial Variant Curation Expert Panel suggest to classify of Pathogenic (Clinvar: 9628). Based on available evidence, the variant is classified as Likely Pathogenic.